The following is an entry in ClinVar:

ClinVar aggregate classification (germline): Uncertain significance (1 of 4 stars; one submission).

Conditions:
Hennekam lymphangiectasia-lymphedema syndrome 2 (HKLLS2). Identifiers: Orphanet 2136, MedGen C4014939, MONDO:0014454, OMIM 616006.

Submission:

Clinical Genomics Laboratory, Washington University in St. Louis
Classification: Uncertain significance for Hennekam lymphangiectasia-lymphedema syndrome 2. Last evaluated: 2024-07-15. Review status: criteria provided, single submitter. Criteria: ACMG Guidelines, 2015. Collection method: clinical testing. Allele origin: germline.
Comment: A FAT4 c.2485C>G (p.Leu829Val) variant was identified at a near heterozygous allelic fraction of 49.3%, a frequency which may be consistent with germline origin. This variant, to our knowledge, has not been reported in the medical literature and is absent from the general population (gnomAD v4.1.0), indicating that it is not a common variant. Another variant in the same codon, c.2486T>G (p.Leu829Arg), has been reported in an individual affected with Van Maldergem syndrome 2 (Meng L et al., PMID: 28973083). Computational predictors suggest that this variant does not impact FAT4 function. Due to limited information, and based on ACMG/AMP guidelines for variant interpretation (Richards S et al., PMID: 25741868), the clinical significance of the FAT4 c.2485C>G (p.Leu829Val) variant is uncertain at this time.

NM_001291303.3(FAT4):c.2485C>G (p.Leu829Val)

Gene: FAT4 (FAT atypical cadherin 4; plus strand). Cytogenetic location: 4q28.1.
Variant type: single nucleotide variant.
Coding change: c.2485C>G on transcript NM_001291303.3 (MANE Select); coding-DNA position 2485, C replaced by G.
Protein change: p.Leu829Val; replaces leucine 829 with valine.
Molecular consequence: missense variant.
Genome position (GRCh38, 1-based): chr4:125,318,896, C>G. VCF-style: chr4-125318896-C-G. GRCh37 (hg19) VCF-style: chr4-126240051-C-G.
Other names: c.2485C>G, p.Leu829Val (NM_001291285.3, NM_024582.6); short protein forms L829V.
Identifiers: ClinVar variation 3600436 (VCV003600436.1).